The following is an entry in ClinVar:

ClinVar aggregate classification (germline): Uncertain significance (1 of 4 stars; one submission).

Conditions:
Hyperkalemic periodic paralysis. Also called: Gamstorp disease; Familial hyperkalemic periodic paralysis. Identifiers: Orphanet 682, MedGen C0238357, MONDO:0008224, OMIM 170500, HP:0007215.

Allele frequency attached by ClinVar (database versions not stated): ExAC 0.00001; gnomAD exomes 0.00001 and 0.00002.

Submission:

Labcorp Genetics (formerly Invitae), Labcorp
Classification: Uncertain significance for Hyperkalemic periodic paralysis. Last evaluated: 2018-03-07. Review status: criteria provided, single submitter. Criteria: Invitae Variant Classification Sherloc (09022015). Collection method: clinical testing. Allele origin: germline.
Comment: In summary, the available evidence is currently insufficient to determine the role of this variant in disease. Therefore, it has been classified as a Variant of Uncertain Significance. Algorithms developed to predict the effect of missense changes on protein structure and function (SIFT, PolyPhen-2, Align-GVGD) all suggest that this variant is likely to be disruptive, but these predictions have not been confirmed by published functional studies and their clinical significance is uncertain. This variant has not been reported in the literature in individuals with SCN4A-related disease. This variant is present in population databases (rs752187063, ExAC 0.009%). This sequence change replaces isoleucine with valine at codon 1674 of the SCN4A protein (p.Ile1674Val). The isoleucine residue is highly conserved and there is a small physicochemical difference between isoleucine and valine.

NM_000334.4(SCN4A):c.5020A>G (p.Ile1674Val)

Genes: SCN4A (sodium voltage-gated channel alpha subunit 4; minus strand), GH-LCR (growth hormone locus control region; plus strand). Cytogenetic location: 17q23.3.
Variant type: single nucleotide variant.
Coding change: c.5020A>G on transcript NM_000334.4 (MANE Select); coding-DNA position 5020, A replaced by G.
Protein change: p.Ile1674Val; replaces isoleucine 1674 with valine.
Molecular consequence: missense variant.
Genome position (GRCh38, 1-based): chr17:63,941,262, T>C on the plus strand (A>G on the coding strand, the complement: SCN4A is on the minus strand). VCF-style: chr17-63941262-T-C. GRCh37 (hg19) VCF-style: chr17-62018622-T-C.
Other names: short protein forms I1674V.
Identifiers: ClinVar variation 568401 (VCV000568401.9), dbSNP rs752187063, ClinGen allele CA8708855.
Genomic context (GRCh38, chr17:63,941,262, plus strand): 5'-TTTCCCCAGAGTCACCCAGGACCTCTTTGGTCAGGGCAAAGAGGATGTCCAGGCAGTGGA[T>C]CTTGTCCCCTGGCACCATGGGCAAGTCCAGTGTGATGAGCTTGATCTTGTTGGGCTTGGC-3'
Protein context (NP_000325.4, residues 1664-1684): LDLPMVPGDK[Ile1674Val]HCLDILFALT